The following is an entry in ClinVar:

NM_032043.3(BRIP1):c.2575+1G>C

Gene: BRIP1 (BRCA1 interacting DNA helicase 1; minus strand). Cytogenetic location: 17q23.2.
Variant type: single nucleotide variant.
Coding change: c.2575+1G>C on transcript NM_032043.3 (MANE Select); the canonical splice donor site of the intron after coding-DNA position 2575, G replaced by C.
Molecular consequence: splice donor variant.
Genome position (GRCh38, 1-based): chr17:61,693,429, C>G on the plus strand (G>C on the coding strand, the complement: BRIP1 is on the minus strand). VCF-style: chr17-61693429-C-G. GRCh37 (hg19) VCF-style: chr17-59770790-C-G.
Identifiers: ClinVar variation 1793295 (VCV001793295.5), dbSNP rs1567737536, ClinGen allele CA400482299.

ClinVar aggregate classification (germline): Likely pathogenic. Review status: criteria provided, multiple submitters, no conflicts (2 of 4 stars). 2 submissions from 2 submitters: Likely pathogenic (2). Last evaluated 2023-06-16.

Conditions:
Hereditary cancer-predisposing syndrome. Also called: Neoplastic Syndromes, Hereditary; Tumor predisposition; Hereditary neoplastic syndrome; Hereditary Cancer Syndrome. Identifiers: Orphanet 140162, MedGen C0027672, MeSH D009386, MONDO:0015356.
Familial cancer of breast. Also called: BREAST CANCER, FAMILIAL; hereditary breast carcinoma; Hereditary breast cancer. Identifiers: Orphanet 227535, MedGen C0346153, MONDO:0016419, OMIM 114480. Disease mechanism: loss of function.
Fanconi anemia complementation group J. Also called: BRIP1-Related Fanconi Anemia. Identifiers: Orphanet 84, MedGen C1836860, MONDO:0012187, OMIM 609054.

Submissions (2):

Labcorp Genetics (formerly Invitae), Labcorp
Classification: Likely pathogenic for Familial cancer of breast; Fanconi anemia complementation group J. Last evaluated: 2023-06-16. Review status: criteria provided, single submitter. Criteria: Invitae Variant Classification Sherloc (09022015). Collection method: clinical testing. Allele origin: germline.
Comment: This variant has not been reported in the literature in individuals affected with BRIP1-related conditions. In summary, the currently available evidence indicates that the variant is pathogenic, but additional data are needed to prove that conclusively. Therefore, this variant has been classified as Likely Pathogenic. Algorithms developed to predict the effect of sequence changes on RNA splicing suggest that this variant may disrupt the consensus splice site. ClinVar contains an entry for this variant (Variation ID: 1793295). This variant is not present in population databases (gnomAD no frequency). This sequence change affects a donor splice site in intron 18 of the BRIP1 gene. It is expected to disrupt RNA splicing. Variants that disrupt the donor or acceptor splice site typically lead to a loss of protein function (PMID: 16199547), and loss-of-function variants in BRIP1 are known to be pathogenic (PMID: 16116423, 17033622, 21964575).

Ambry Genetics
Classification: Likely pathogenic for Hereditary cancer-predisposing syndrome. Last evaluated: 2015-09-29. Review status: criteria provided, single submitter. Criteria: Ambry Variant Classification Scheme 2023. Collection method: clinical testing. Allele origin: germline.
Comment: The c.2575+1G>C intronic variant results from a G to C substitution one nucleotide after coding exon 17 of the BRIP1 gene. This variant was not reported in population based cohorts in the following databases: Database of Single Nucleotide Polymorphisms (dbSNP), NHLBI Exome Sequencing Project (ESP), and 1000 Genomes Project. In the ESP, this variant was not observed in 6503 samples (13006 alleles) with coverage at this position. To date, this alteration has been detected with an allele frequency of approximately 0.002% (greater than 65000 alleles tested) in our clinical cohort. Based on protein sequence alignment, this nucleotide position is highly conserved in available vertebrate species. Using the BDGP and ESEfinder splice site prediction tools, this alteration is predicted to abolish the native splice donor site; however, direct evidence is unavailable. Alterations that disrupt the canonical splice donor site are typically deleterious in nature (ACMG Recommendations for Standards for Interpretation and Reporting of Sequence Variations. Revision 2007. Genet Med. 2008;10:294). As such, the c.2575+1G>C variant is classified as likely pathogenic.

Literature cited by the submitters: PubMed 16199547 (cited by Labcorp Genetics (formerly Invitae), Labcorp); PubMed 16116423 (cited by Labcorp Genetics (formerly Invitae), Labcorp); PubMed 17033622 (cited by Labcorp Genetics (formerly Invitae), Labcorp); PubMed 21964575 (cited by Labcorp Genetics (formerly Invitae), Labcorp).